The following is an entry in ClinVar:

NM_001430.5(EPAS1):c.170T>C (p.Met57Thr)

Gene: EPAS1 (endothelial PAS domain protein 1; plus strand). Cytogenetic location: 2p21.
Variant type: single nucleotide variant.
Coding change: c.170T>C on transcript NM_001430.5 (MANE Select); coding-DNA position 170, T replaced by C.
Protein change: p.Met57Thr; replaces methionine 57 with threonine.
Molecular consequence: missense variant.
Genome position (GRCh38, 1-based): chr2:46,347,016, T>C. VCF-style: chr2-46347016-T-C. GRCh37 (hg19) VCF-style: chr2-46574155-T-C.
Other names: short protein forms M57T.
Identifiers: ClinVar variation 3376039 (VCV003376039.1).

ClinVar aggregate classification (germline): Uncertain significance (1 of 4 stars; one submission).

Submission:

GeneDx
Classification: Uncertain significance. Last evaluated: 2024-05-02. Review status: criteria provided, single submitter. Criteria: GeneDx Variant Classification Process June 2021. Collection method: clinical testing. Allele origin: germline. Affected: yes.
Comment: Not observed at significant frequency in large population cohorts (gnomAD); In silico analysis supports that this missense variant has a deleterious effect on protein structure/function; Has not been previously published as pathogenic or benign to our knowledge